The following is an entry in ClinVar:

ClinVar aggregate classification (germline): Uncertain significance. Review status: criteria provided, multiple submitters, no conflicts (2 of 4 stars). 2 submissions from 2 submitters: Uncertain significance (2). Last evaluated 2026-07-26.

Conditions:
Fanconi anemia complementation group J. Also called: BRIP1-Related Fanconi Anemia. Identifiers: Orphanet 84, MedGen C1836860, MONDO:0012187, OMIM 609054.
Familial cancer of breast. Also called: Hereditary breast cancer; hereditary breast carcinoma; BREAST CANCER, FAMILIAL. Identifiers: Orphanet 227535, MedGen C0346153, MONDO:0016419, OMIM 114480. Disease mechanism: loss of function.
Hereditary cancer-predisposing syndrome. Also called: Tumor predisposition; Hereditary Cancer Syndrome; Hereditary neoplastic syndrome; Neoplastic Syndromes, Hereditary. Identifiers: Orphanet 140162, MedGen C0027672, MeSH D009386, MONDO:0015356.

Submissions (2):

Ambry Genetics
Classification: Uncertain significance for Hereditary cancer-predisposing syndrome. Last evaluated: 2026-07-26. Review status: criteria provided, single submitter. Criteria: Ambry Variant Classification Scheme 2023. Collection method: clinical testing. Allele origin: germline.
Comment: The p.I1206M variant (also known as c.3618T>G), located in coding exon 19 of the BRIP1 gene, results from a T to G substitution at nucleotide position 3618. The isoleucine at codon 1206 is replaced by methionine, an amino acid with highly similar properties. This amino acid position is conserved. In addition, this alteration is predicted to be tolerated by in silico analysis. Based on the available evidence, the clinical significance of this variant remains unclear.

Labcorp Genetics (formerly Invitae), Labcorp
Classification: Uncertain significance for Familial cancer of breast; Fanconi anemia complementation group J. Last evaluated: 2020-11-01. Review status: criteria provided, single submitter. Criteria: Invitae Variant Classification Sherloc (09022015). Collection method: clinical testing. Allele origin: germline.
Comment: This sequence change replaces isoleucine with methionine at codon 1206 of the BRIP1 protein (p.Ile1206Met). The isoleucine residue is weakly conserved and there is a small physicochemical difference between isoleucine and methionine. This variant is not present in population databases (ExAC no frequency). This variant has not been reported in the literature in individuals with BRIP1-related conditions. Algorithms developed to predict the effect of missense changes on protein structure and function (SIFT, PolyPhen-2, Align-GVGD) all suggest that this variant is likely to be tolerated, but these predictions have not been confirmed by published functional studies and their clinical significance is uncertain. In summary, the available evidence is currently insufficient to determine the role of this variant in disease. Therefore, it has been classified as a Variant of Uncertain Significance.

NM_032043.3(BRIP1):c.3618T>G (p.Ile1206Met)

Gene: BRIP1 (BRCA1 interacting DNA helicase 1; minus strand). Cytogenetic location: 17q23.2.
Variant type: single nucleotide variant.
Coding change: c.3618T>G on transcript NM_032043.3 (MANE Select); coding-DNA position 3618, T replaced by G.
Protein change: p.Ile1206Met; replaces isoleucine 1206 with methionine.
Molecular consequence: missense variant.
Genome position (GRCh38, 1-based): chr17:61,683,428, A>C on the plus strand (T>G on the coding strand, the complement: BRIP1 is on the minus strand). VCF-style: chr17-61683428-A-C. GRCh37 (hg19) VCF-style: chr17-59760789-A-C.
Other names: c.3618T>G (NM_032043.2); short protein forms I1206M.
Identifiers: ClinVar variation 1046104 (VCV001046104.10), dbSNP rs2061299577, ClinGen allele CA400478006.